The following is an entry in ClinVar:

NM_005033.3(EXOSC9):c.644G>A (p.Arg215His)

Gene: EXOSC9 (exosome component 9; plus strand). Cytogenetic location: 4q27.
Variant type: single nucleotide variant.
Coding change: c.644G>A on transcript NM_005033.3 (MANE Select); coding-DNA position 644, G replaced by A.
Protein change: p.Arg215His; replaces arginine 215 with histidine.
Molecular consequence: missense variant.
Genome position (GRCh38, 1-based): chr4:121,810,005, G>A. VCF-style: chr4-121810005-G-A. GRCh37 (hg19) VCF-style: chr4-122731160-G-A.
Other names: c.644G>A (NM_001034194.1); c.644G>A, p.Arg215His (NM_001034194.2); short protein forms R215H.
Identifiers: ClinVar variation 1435764 (VCV001435764.5), dbSNP rs766182811, ClinGen allele CA3063483.

ClinVar aggregate classification (germline): Uncertain significance. Review status: criteria provided, multiple submitters, no conflicts (2 of 4 stars). 2 submissions from 2 submitters: Uncertain significance (2). Last evaluated 2026-01-08.

Conditions:
Inborn genetic diseases. Identifiers: MedGen C0950123, MeSH D030342.

Allele frequency attached by ClinVar (database versions not stated): gnomAD exomes 0.00002 and 0.00005; ExAC 0.00003.

Submissions (2):

Labcorp Genetics (formerly Invitae), Labcorp
Classification: Uncertain significance. Last evaluated: 2026-01-08. Review status: criteria provided, single submitter. Criteria: Invitae Variant Classification Sherloc (09022015). Collection method: clinical testing. Allele origin: germline.
Comment: This sequence change replaces arginine, which is basic and polar, with histidine, which is basic and polar, at codon 215 of the EXOSC9 protein (p.Arg215His). This variant is present in population databases (rs766182811, gnomAD 0.04%). This variant has not been reported in the literature in individuals affected with EXOSC9-related conditions. ClinVar contains an entry for this variant (Variation ID: 1435764). Invitae Evidence Modeling of protein sequence and biophysical properties (such as structural, functional, and spatial information, amino acid conservation, physicochemical variation, residue mobility, and thermodynamic stability) indicates that this missense variant is not expected to disrupt EXOSC9 protein function with a negative predictive value of 80%. In summary, the available evidence is currently insufficient to determine the role of this variant in disease. Therefore, it has been classified as a Variant of Uncertain Significance.

Ambry Genetics
Classification: Uncertain significance for Inborn genetic diseases. Last evaluated: 2025-03-18. Review status: criteria provided, single submitter. Criteria: Ambry Variant Classification Scheme 2023. Collection method: clinical testing. Allele origin: germline.